The following is an entry in ClinVar:

ClinVar aggregate classification (germline): Uncertain significance. Review status: criteria provided, multiple submitters, no conflicts (2 of 4 stars). 2 submissions from 2 submitters: Uncertain significance (2). Last evaluated 2024-10-30.

Conditions:
Mitochondrial complex 2 deficiency, nuclear type 4. Also called: MITOCHONDRIAL COMPLEX II DEFICIENCY, NUCLEAR TYPE 4. Identifiers: MedGen C5543176, MONDO:0030974, OMIM 619224.
Pheochromocytoma/paraganglioma syndrome 4. Also called: CAROTID BODY TUMORS AND MULTIPLE EXTRAADRENAL PHEOCHROMOCYTOMAS; PARAGANGLIOMA, FAMILIAL MALIGNANT; PARAGANGLIOMAS, HEREDITARY EXTRAADRENAL; PHEOCHROMOCYTOMA, FAMILIAL EXTRAADRENAL; Paragangliomas 4; SDHB-Related Hereditary Paraganglioma-Pheochromocytoma Syndrome (Paragangliomas 4). Identifiers: Orphanet 29072, MedGen C1861848, MONDO:0007273, OMIM 115310.
Gastrointestinal stromal tumor. Also called: Gastrointestinal stromal tumor, somatic; Gastrointestinal stroma tumor. Identifiers: Orphanet 44890, MedGen C0238198, MeSH D046152, MONDO:0011719, OMIM 606764, HP:0100723.
Carney-Stratakis syndrome. Also called: PARAGANGLIOMA AND GASTROINTESTINAL STROMAL TUMOR. Identifiers: Orphanet 97286, MedGen C1847319, MONDO:0011740, OMIM 606864.
Pheochromocytoma. Also called: MAX-Related Hereditary Paraganglioma-Pheochromocytoma Syndrome. Identifiers: Orphanet 29072, MedGen C0031511, MONDO:0008233, OMIM 171300, HP:0002666.

Submissions (2):

Labcorp Genetics (formerly Invitae), Labcorp
Classification: Uncertain significance for Gastrointestinal stromal tumor; Pheochromocytoma/paraganglioma syndrome 4; Pheochromocytoma. Last evaluated: 2024-10-30. Review status: criteria provided, single submitter. Criteria: Invitae Variant Classification Sherloc (09022015). Collection method: clinical testing. Allele origin: germline.
Comment: This sequence change replaces glutamic acid, which is acidic and polar, with lysine, which is basic and polar, at codon 228 of the SDHB protein (p.Glu228Lys). This variant is not present in population databases (gnomAD no frequency). This variant has not been reported in the literature in individuals affected with SDHB-related conditions. Invitae Evidence Modeling of protein sequence and biophysical properties (such as structural, functional, and spatial information, amino acid conservation, physicochemical variation, residue mobility, and thermodynamic stability) indicates that this missense variant is not expected to disrupt SDHB protein function with a negative predictive value of 80%. In summary, the available evidence is currently insufficient to determine the role of this variant in disease. Therefore, it has been classified as a Variant of Uncertain Significance.

Department of Pathology and Laboratory Medicine, Sinai Health System
Classification: Uncertain significance for Pheochromocytoma/paraganglioma syndrome 4; Gastrointestinal stromal tumor; Carney-Stratakis syndrome; Mitochondrial complex 2 deficiency, nuclear type 4. Last evaluated: 2023-05-12. Review status: criteria provided, single submitter. Criteria: ACMG Guidelines, 2015. Collection method: clinical testing. Allele origin: germline. Affected: no.

NM_003000.3(SDHB):c.682G>A (p.Glu228Lys)

Gene: SDHB (succinate dehydrogenase complex iron sulfur subunit B; minus strand). Cytogenetic location: 1p36.13.
Variant type: single nucleotide variant.
Coding change: c.682G>A on transcript NM_003000.3 (MANE Select); coding-DNA position 682, G replaced by A.
Protein change: p.Glu228Lys; replaces glutamic acid 228 with lysine.
Molecular consequence: missense variant.
Genome position (GRCh38, 1-based): chr1:17,022,691, C>T on the plus strand (G>A on the coding strand, the complement: SDHB is on the minus strand). VCF-style: chr1-17022691-C-T. GRCh37 (hg19) VCF-style: chr1-17349186-C-T.
Other names: c.628G>A, p.Glu210Lys (NM_001407361.1); short protein forms E210K, E228K.
Identifiers: ClinVar variation 3763232 (VCV003763232.3).